The following is an entry in ClinVar:

ClinVar aggregate classification (germline): Uncertain significance (1 of 4 stars; one submission).

Submission:

GeneDx
Classification: Uncertain significance. Last evaluated: 2023-12-04. Review status: criteria provided, single submitter. Criteria: GeneDx Variant Classification Process June 2021. Collection method: clinical testing. Allele origin: germline. Affected: yes.
Comment: Has not been previously published as pathogenic or benign to our knowledge; Not observed at significant frequency in large population cohorts (gnomAD); In silico analysis supports a deleterious effect on splicing

NM_000088.4(COL1A1):c.642+3A>T

Gene: COL1A1 (collagen type I alpha 1 chain; minus strand). Cytogenetic location: 17q21.33.
Variant type: single nucleotide variant.
Coding change: c.642+3A>T on transcript NM_000088.4 (MANE Select); 3 bases into the intron after coding-DNA position 642, A replaced by T.
Molecular consequence: intron variant.
Genome position (GRCh38, 1-based): chr17:50,197,946, T>A on the plus strand (A>T on the coding strand, the complement: COL1A1 is on the minus strand). VCF-style: chr17-50197946-T-A. GRCh37 (hg19) VCF-style: chr17-48275307-T-A.
Identifiers: ClinVar variation 3252907 (VCV003252907.1), dbSNP rs2509246570.